The following is an entry in ClinVar:

NM_001379451.1(BCORL1):c.106GAG[1] (p.Glu37del)

Gene: BCORL1 (BCL6 corepressor like 1; plus strand). Cytogenetic location: Xq26.1.
Variant type: Microsatellite.
Coding change: c.106GAG[1] on transcript NM_001379451.1 (MANE Select); one copy of the 3-base unit GAG starting at c.106; the reference has two copies in a row; one copy, 3 bases deleted.
Protein change: p.Glu37del; deletes glutamic acid 37.
Molecular consequence: inframe deletion. On other transcripts: inframe indel (2).
Genome position (GRCh38, 1-based): chrX:130,012,600-130,012,602, GAG deleted; deleting any 3 consecutive bases within chrX:130,012,597-130,012,602 gives the same sequence; the position shown is the placement nearest the transcript's 3' end. VCF-style (leftmost placement, unchanged base first): chrX-130012596-TGAG-T. GRCh37 (hg19) VCF-style: chrX-129146572-TGAG-T.
Other names: c.106GAG[1], p.Glu37del (NM_001184772.3, NM_001379450.1, NM_021946.5); c.106_108GAG[1], p.Glu37del (NM_021946.4); c.109_111del (NM_021946.4); short protein forms E37del.
Identifiers: ClinVar variation 2504916 (VCV002504916.2), dbSNP rs769265482, ClinGen allele CA10514065.

ClinVar aggregate classification (germline): Uncertain significance (1 of 4 stars; one submission).

Submission:

GeneDx
Classification: Uncertain significance. Last evaluated: 2024-03-26. Review status: criteria provided, single submitter. Criteria: GeneDx Variant Classification Process June 2021. Collection method: clinical testing. Allele origin: germline.
Comment: In-frame deletion of 1 amino acids in a non-repeat region; In silico analysis supports a deleterious effect on protein structure/function; Has not been previously published as pathogenic or benign to our knowledge